The following is an entry in ClinVar:

NM_015354.3(NUP188):c.3457C>T (p.Leu1153Phe)

Gene: NUP188 (nucleoporin 188; plus strand). Cytogenetic location: 9q34.11.
Variant type: single nucleotide variant.
Coding change: c.3457C>T on transcript NM_015354.3 (MANE Select); coding-DNA position 3457, C replaced by T.
Protein change: p.Leu1153Phe; replaces leucine 1153 with phenylalanine.
Molecular consequence: missense variant.
Genome position (GRCh38, 1-based): chr9:128,998,565, C>T. VCF-style: chr9-128998565-C-T. GRCh37 (hg19) VCF-style: chr9-131760844-C-T.
Other names: short protein forms L1153F.
Identifiers: ClinVar variation 4987979 (VCV004987979.1).

ClinVar aggregate classification (germline): Uncertain significance (1 of 4 stars; one submission).

Conditions:
NUP188-related disorder. Also called: NUP188-related condition.

gnomAD v4.1: 3 of 1,614,080 alleles (0.00019%); highest among the groups gnomAD compares: African/African-American, 0.0027%; no homozygotes.

Submission:

PreventionGenetics, part of Exact Sciences
Classification: Uncertain significance for NUP188-related condition. Last evaluated: 2026-03-18. Review status: criteria provided, single submitter. Criteria: ACMG Guidelines, 2015. Collection method: clinical testing. Allele origin: germline.
Comment: The NUP188 c.3457C>T variant is predicted to result in the amino acid substitution p.Leu1153Phe. To our knowledge, this variant has not been reported in the literature or in a large population database (gnomAD), indicating this variant is rare. At this time, the clinical significance of this variant is uncertain due to the absence of conclusive functional and genetic evidence.